The following is an entry in ClinVar:

ClinVar aggregate classification (germline): Benign. Review status: criteria provided, single submitter (1 of 4 stars). 2 submissions from 1 submitter: Benign (2). Last evaluated 2018-01-13.

Conditions:
Acrodysostosis 1 with or without hormone resistance (ACRDYS1). Also called: ACRODYSOSTOSIS 1 WITH HORMONE RESISTANCE; ACRODYSOSTOSIS 1 WITHOUT HORMONE RESISTANCE; ACRODYSOSTOSIS WITH HORMONE RESISTANCE. Identifiers: Orphanet 280651, MedGen C3276228, MONDO:0007044, OMIM 101800.
Carney complex, type 1 (CNC1). Also called: CARNEY MYXOMA-ENDOCRINE COMPLEX; CARNEY COMPLEX, TYPE I. Identifiers: Orphanet 1359, MedGen C2607929, MONDO:0008057, OMIM 160980.

Allele frequency attached by ClinVar (database versions not stated): gnomAD exomes 0.00010; gnomAD 0.00085 and 0.00094; TOPMed 0.00104; 1000 Genomes Project 0.00120; 1000 Genomes Project 30x 0.00172.
gnomAD v4.1: 246 of 1,066,272 alleles (0.023%); highest among the groups gnomAD compares: African/African-American, 0.27%; 1 homozygote.

Submissions (2):

Illumina Laboratory Services, Illumina
Classification: Benign for Acrodysostosis 1 with or without hormone resistance. Last evaluated: 2018-01-13. Review status: criteria provided, single submitter. Criteria: ICSL Variant Classification Criteria 13 December 2019. Collection method: clinical testing. Allele origin: germline.
Comment: This variant was observed in the ICSL laboratory as part of a predisposition screen in an ostensibly healthy population. It had not been previously curated by ICSL or reported in the Human Gene Mutation Database (HGMD: prior to June 1st, 2018), and was therefore a candidate for classification through an automated scoring system. Utilizing variant allele frequency, disease prevalence and penetrance estimates, and inheritance mode, an automated score was calculated to assess if this variant is too frequent to cause the disease. Based on the score and internal cut-off values, a variant classified as benign is not then subjected to further curation. The score for this variant resulted in a classification of benign for this disease.

Illumina Laboratory Services, Illumina
Classification: Benign for Carney complex, type 1. Last evaluated: 2018-01-13. Review status: criteria provided, single submitter. Criteria: ICSL Variant Classification Criteria 13 December 2019. Collection method: clinical testing. Allele origin: germline.
Comment: the same text as in the submission from Illumina Laboratory Services, Illumina above.

NM_002734.5(PRKAR1A):c.*1057G>A

Gene: PRKAR1A (protein kinase cAMP-dependent type I regulatory subunit alpha; plus strand). Cytogenetic location: 17q24.2.
Variant type: single nucleotide variant.
Coding change: c.*1057G>A on transcript NM_002734.5 (MANE Select); 1057 bases downstream of the stop codon, G replaced by A.
Molecular consequence: 3 prime UTR variant. On other transcripts: intron variant (1).
Genome position (GRCh38, 1-based): chr17:68,531,506, G>A. VCF-style: chr17-68531506-G-A. GRCh37 (hg19) VCF-style: chr17-66527647-G-A.
Other names: c.*1057G>A (NM_001276289.2, NM_001278433.2, NM_001369389.1 and 3 more transcripts); c.973+1505G>A (NM_001276290.1).
Identifiers: ClinVar variation 891449 (VCV000891449.4), dbSNP rs373618236, ClinGen allele CA293295468.